The following is an entry in ClinVar:

NM_001152.5(SLC25A5):c.787C>T (p.Arg263Cys)

Gene: SLC25A5 (solute carrier family 25 member 5; plus strand). Cytogenetic location: Xq24.
Variant type: single nucleotide variant.
Coding change: c.787C>T on transcript NM_001152.5 (MANE Select); coding-DNA position 787, C replaced by T.
Protein change: p.Arg263Cys; replaces arginine 263 with cysteine.
Molecular consequence: missense variant.
Genome position (GRCh38, 1-based): chrX:119,470,948, C>T. VCF-style: chrX-119470948-C-T. GRCh37 (hg19) VCF-style: chrX-118604911-C-T.
Other names: short protein forms R263C.
Identifiers: ClinVar variation 3898287 (VCV003898287.7).
Genomic context (GRCh38, chrX:119,470,948, plus strand): 5'-TTATTCTTTGCAGCTGACATCATGTACACAGGCACGCTTGACTGCTGGCGGAAGATTGCT[C>T]GTGATGAAGGAGGCAAAGCTTTTTTCAAGGGTGCATGGTCCAATGTTCTCAGAGGCATGG-3'
Protein context (NP_001143.2, residues 253-273): GTLDCWRKIA[Arg263Cys]DEGGKAFFKG

ClinVar aggregate classification (germline): Likely benign (1 of 4 stars; one submission).

Submission:

CeGaT Center for Human Genetics Tuebingen
Classification: Likely benign. Last evaluated: 2025-04-01. Review status: criteria provided, single submitter. Criteria: CeGaT Center For Human Genetics Tuebingen Variant Classification Criteria Version 2. Collection method: clinical testing. Allele origin: germline. Affected: yes. Observed: 1 variant allele.
Comment: SLC25A5: PP2, BS2